The following is an entry in ClinVar:

ClinVar aggregate classification (germline): Uncertain significance (1 of 4 stars; one submission).

Submission:

Labcorp Genetics (formerly Invitae), Labcorp
Classification: Uncertain significance. Last evaluated: 2023-01-31. Review status: criteria provided, single submitter. Criteria: Invitae Variant Classification Sherloc (09022015). Collection method: clinical testing. Allele origin: germline.
Comment: In summary, the available evidence is currently insufficient to determine the role of this variant in disease. Therefore, it has been classified as a Variant of Uncertain Significance. An algorithm developed to predict the effect of missense changes on protein structure and function (PolyPhen-2) suggests that this variant is likely to be tolerated. This variant has not been reported in the literature in individuals affected with HYOU1-related conditions. This variant is not present in population databases (gnomAD no frequency). This sequence change replaces leucine, which is neutral and non-polar, with arginine, which is basic and polar, at codon 397 of the HYOU1 protein (p.Leu397Arg).

NM_006389.5(HYOU1):c.1190T>G (p.Leu397Arg)

Genes: HYOU1 (hypoxia up-regulated 1; minus strand), LOC130006884 (ATAC-STARR-seq lymphoblastoid active region 5617; plus strand). Cytogenetic location: 11q23.3.
Variant type: single nucleotide variant.
Coding change: c.1190T>G on transcript NM_006389.5 (MANE Select); coding-DNA position 1190, T replaced by G.
Protein change: p.Leu397Arg; replaces leucine 397 with arginine.
Molecular consequence: missense variant.
Genome position (GRCh38, 1-based): chr11:119,052,105, A>C on the plus strand (T>G on the coding strand, the complement: HYOU1 is on the minus strand). VCF-style: chr11-119052105-A-C. GRCh37 (hg19) VCF-style: chr11-118922817-A-C.
Other names: c.1190T>G, p.Leu397Arg (NM_001130991.3, NM_001411041.1); short protein forms L397R.
Identifiers: ClinVar variation 2833321 (VCV002833321.3), dbSNP rs2497168563, ClinGen allele CA382940998.